The following is an entry in ClinVar:

ClinVar aggregate classification (germline): Uncertain significance (1 of 4 stars; one submission).

Allele frequency attached by ClinVar (database versions not stated): TOPMed 0.00005; ESP Exome Variant Server 0.00008; ExAC 0.00009; 1000 Genomes Project 0.00020; 1000 Genomes Project 30x 0.00031.
gnomAD v4.1: 241 of 1,613,908 alleles (0.015%); highest among the groups gnomAD compares: Non-Finnish European, 0.02%; no homozygotes.

Submission:

Labcorp Genetics (formerly Invitae), Labcorp
Classification: Uncertain significance. Last evaluated: 2026-01-26. Review status: criteria provided, single submitter. Criteria: Invitae Variant Classification Sherloc (09022015). Collection method: clinical testing. Allele origin: germline.
Comment: This sequence change replaces asparagine, which is neutral and polar, with lysine, which is basic and polar, at codon 1096 of the ALPK1 protein (p.Asn1096Lys). This variant is present in population databases (rs368356690, gnomAD 0.01%). This variant has not been reported in the literature in individuals affected with ALPK1-related conditions. ClinVar contains an entry for this variant (Variation ID: 2058137). Invitae Evidence Modeling of protein sequence and biophysical properties (such as structural, functional, and spatial information, amino acid conservation, physicochemical variation, residue mobility, and thermodynamic stability) indicates that this missense variant is expected to disrupt ALPK1 protein function with a positive predictive value of 80%. In summary, the available evidence is currently insufficient to determine the role of this variant in disease. Therefore, it has been classified as a Variant of Uncertain Significance.

NM_025144.4(ALPK1):c.3288C>G (p.Asn1096Lys)

Gene: ALPK1 (alpha kinase 1; plus strand). Cytogenetic location: 4q25.
Variant type: single nucleotide variant.
Coding change: c.3288C>G on transcript NM_025144.4 (MANE Select); coding-DNA position 3288, C replaced by G.
Protein change: p.Asn1096Lys; replaces asparagine 1096 with lysine.
Molecular consequence: missense variant.
Genome position (GRCh38, 1-based): chr4:112,438,583, C>G. VCF-style: chr4-112438583-C-G. GRCh37 (hg19) VCF-style: chr4-113359739-C-G.
Other names: c.3288C>G, p.Asn1096Lys (NM_001102406.2); c.3054C>G, p.Asn1018Lys (NM_001253884.2); short protein forms N1096K, N1018K.
Identifiers: ClinVar variation 2058137 (VCV002058137.4), dbSNP rs368356690, ClinGen allele CA3047133.